The following is an entry in ClinVar:

NM_018713.3(SLC30A10):c.830G>A (p.Cys277Tyr)

Gene: SLC30A10 (solute carrier family 30 member 10; minus strand). Cytogenetic location: 1q41.
Variant type: single nucleotide variant.
Coding change: c.830G>A on transcript NM_018713.3 (MANE Select); coding-DNA position 830, G replaced by A.
Protein change: p.Cys277Tyr; replaces cysteine 277 with tyrosine.
Molecular consequence: missense variant. On other transcripts: non-coding transcript variant (2).
Genome position (GRCh38, 1-based): chr1:219,918,383, C>T on the plus strand (G>A on the coding strand, the complement: SLC30A10 is on the minus strand). VCF-style: chr1-219918383-C-T. GRCh37 (hg19) VCF-style: chr1-220091725-C-T.
Other names: c.641G>A, p.Cys214Tyr (NM_001376929.1); c.155G>A, p.Cys52Tyr (NM_001416004.1, NM_001416005.1); short protein forms C277Y, C214Y, C52Y.
Identifiers: ClinVar variation 2009050 (VCV002009050.4), dbSNP rs2527859552, ClinGen allele CA344732770.

ClinVar aggregate classification (germline): Uncertain significance (1 of 4 stars; one submission).

Submission:

Labcorp Genetics (formerly Invitae), Labcorp
Classification: Uncertain significance. Last evaluated: 2022-06-22. Review status: criteria provided, single submitter. Criteria: Invitae Variant Classification Sherloc (09022015). Collection method: clinical testing. Allele origin: germline.
Comment: In summary, the available evidence is currently insufficient to determine the role of this variant in disease. Therefore, it has been classified as a Variant of Uncertain Significance. Algorithms developed to predict the effect of missense changes on protein structure and function are either unavailable or do not agree on the potential impact of this missense change (SIFT: "Tolerated"; PolyPhen-2: "Possibly Damaging"; Align-GVGD: "Class C0"). This variant has not been reported in the literature in individuals affected with SLC30A10-related conditions. This variant is not present in population databases (gnomAD no frequency). This sequence change replaces cysteine, which is neutral and slightly polar, with tyrosine, which is neutral and polar, at codon 277 of the SLC30A10 protein (p.Cys277Tyr).